The following is an entry in ClinVar:

NM_000053.4(ATP7B):c.4277G>T (p.Ser1426Ile)

Gene: ATP7B (ATPase copper transporting beta; minus strand). Cytogenetic location: 13q14.3.
Variant type: single nucleotide variant.
Coding change: c.4277G>T on transcript NM_000053.4 (MANE Select); coding-DNA position 4277, G replaced by T.
Protein change: p.Ser1426Ile; replaces serine 1426 with isoleucine.
Molecular consequence: missense variant.
Genome position (GRCh38, 1-based): chr13:51,934,877, C>A on the plus strand (G>T on the coding strand, the complement: ATP7B is on the minus strand). VCF-style: chr13-51934877-C-A. GRCh37 (hg19) VCF-style: chr13-52509013-C-A.
Other names: c.4277G>T (NM_000053.3); c.3830G>T, p.Ser1277Ile (NM_001406540.1); c.3791G>T, p.Ser1264Ile (NM_001406541.1, NM_001406542.1); c.3785G>T, p.Ser1262Ile (NM_001406543.1); c.3695G>T, p.Ser1232Ile (NM_001406544.1); c.3629G>T, p.Ser1210Ile (NM_001406545.1); c.3596G>T, p.Ser1199Ile (NM_001406546.1); c.3434G>T, p.Ser1145Ile (NM_001406547.1); and 22 more; short protein forms S1145I, S1199I, S1210I, S1219I, S1232I, S1262I, S1264I, S1277I.
Identifiers: ClinVar variation 2503983 (VCV002503983.2), dbSNP rs549611809, ClinGen allele CA6988438.
Genomic context (GRCh38, chr13:51,934,877, plus strand): 5'-TCTGCTGCAGCGCTGTGCCGAGATGGCTTGTCGGACGTCAGGGAGGACAGCGACACCTGG[C>A]TGACATAGCTGACCTGGTCCCATGGTGTGGCCCTGGGGGAGTCCCGCCACCTGTCATCCA-3'
Protein context (NP_000044.2, residues 1416-1436): ATPWDQVSYV[Ser1426Ile]QVSLSSLTSD

ClinVar aggregate classification (germline): Uncertain significance. Review status: criteria provided, multiple submitters, no conflicts (2 of 4 stars). 2 submissions from 2 submitters: Uncertain significance (2). Last evaluated 2023-04-17.

Conditions:
Wilson disease (WND). Also called: Wilson's disease. Identifiers: Orphanet 905, MedGen C0019202, MONDO:0010200, OMIM 277900. Disease mechanism: loss of function.

Allele frequency attached by ClinVar (database versions not stated): TOPMed below 0.00001; ExAC 0.00003.
gnomAD v4.1: 28 of 1,614,200 alleles (0.0017%); highest among the groups gnomAD compares: South Asian, 0.029%; 1 homozygote.

Submissions (2):

Women's Health and Genetics/Laboratory Corporation of America, LabCorp
Classification: Uncertain significance. Last evaluated: 2023-04-17. Review status: criteria provided, single submitter. Criteria: LabCorp Variant Classification Summary - May 2015. Collection method: clinical testing. Allele origin: germline.
Comment: Variant summary: ATP7B c.4277G>T (p.Ser1426Ile) results in a non-conservative amino acid change in the encoded protein sequence. Five of five in-silico tools predict a damaging effect of the variant on protein function. The variant allele was found at a frequency of 3.2e-05 in 249314 control chromosomes (gnomAD). The available data on variant occurrences in the general population are insufficient to allow any conclusion about variant significance. c.4277G>T has been reported in the literature in at least one individual affected with Wilson Disease (Mukherjee_2014, Roy_2020). These data do not allow any conclusion about variant significance. Experimental evidence evaluating an impact on protein function found that the variant protein exhibited normal expression and traffiking within the cell in reponse to Cu stimulation and had mildly reduced Cu-transport activity, approximately 65% of the WT protein (Roy_2020). No clinical diagnostic laboratories have submitted clinical-significance assessments for this variant to ClinVar after 2014. Based on the evidence outlined above, the variant was classified as uncertain significance.

All of Us Research Program, National Institutes of Health
Classification: Uncertain significance for Wilson disease. Last evaluated: 2023-02-24. Review status: criteria provided, single submitter. Criteria: ACMG Guidelines, 2015. Collection method: clinical testing. Allele origin: germline. Inheritance: Autosomal recessive inheritance. Observed: 1 variant allele, 1 heterozygote.
Comment: This missense variant replaces serine with isoleucine at codon 1426 of the ATP7B protein. Computational prediction is inconclusive regarding the impact of this variant on protein structure and function (internally defined REVEL score threshold 0.5 < inconclusive < 0.7, PMID: 27666373). To our knowledge, functional studies have not been reported for this variant. This variant has been observed in trans with a pathogenic variant in at least one individual affected with autosomal recessive Wilson disease (PMID: 24094725, 32778786). This variant has been identified in 8/249314 chromosomes in the general population by the Genome Aggregation Database (gnomAD). The available evidence is insufficient to determine the role of this variant in disease conclusively. Therefore, this variant is classified as a Variant of Uncertain Significance.

This study involves interpretation of variants in research participants for the purpose of population health screening. Participant phenotype was not available at the time of variant classification. Additional details can be found in publication PMID: 35346344, PMCID: PMC8962531

Literature cited by the submitters: PubMed 24094725 (cited by Women's Health and Genetics/Laboratory Corporation of America, LabCorp and All of Us Research Program, National Institutes of Health); PubMed 32778786 (cited by Women's Health and Genetics/Laboratory Corporation of America, LabCorp and All of Us Research Program, National Institutes of Health).